The following is an entry in ClinVar:

NM_000136.3(FANCC):c.1238T>C (p.Met413Thr)

Genes: FANCC (FA complementation group C; minus strand), AOPEP (aminopeptidase O (putative); plus strand). Cytogenetic location: 9q22.32.
Variant type: single nucleotide variant.
Coding change: c.1238T>C on transcript NM_000136.3 (MANE Select); coding-DNA position 1238, T replaced by C.
Protein change: p.Met413Thr; replaces methionine 413 with threonine.
Molecular consequence: missense variant.
Genome position (GRCh38, 1-based): chr9:95,111,554, A>G on the plus strand (T>C on the coding strand, the complement: FANCC is on the minus strand). VCF-style: chr9-95111554-A-G. GRCh37 (hg19) VCF-style: chr9-97873836-A-G.
Other names: c.1238T>C, p.Met413Thr (NM_001243743.2, NM_001243744.2); short protein forms M413T.
Identifiers: ClinVar variation 1757455 (VCV001757455.2), dbSNP rs762847515, ClinGen allele CA5137418.

ClinVar aggregate classification (germline): Uncertain significance (1 of 4 stars; one submission).

Conditions:
Hereditary cancer-predisposing syndrome. Also called: Neoplastic Syndromes, Hereditary; Tumor predisposition; Hereditary Cancer Syndrome; Hereditary neoplastic syndrome. Identifiers: Orphanet 140162, MedGen C0027672, MeSH D009386, MONDO:0015356.

Allele frequency attached by ClinVar (database versions not stated): gnomAD exomes below 0.00001; ExAC 0.00001.
gnomAD v4.1: 1 of 1,614,158 alleles (0.000062%); highest among the groups gnomAD compares: Non-Finnish European, 0.000085%; no homozygotes.

Submission:

Ambry Genetics
Classification: Uncertain significance for Hereditary cancer-predisposing syndrome. Last evaluated: 2021-04-07. Review status: criteria provided, single submitter. Criteria: Ambry Variant Classification Scheme 2023. Collection method: clinical testing. Allele origin: germline.
Comment: The p.M413T variant (also known as c.1238T>C), located in coding exon 12 of the FANCC gene, results from a T to C substitution at nucleotide position 1238. The methionine at codon 413 is replaced by threonine, an amino acid with similar properties. This amino acid position is poorly conserved in available vertebrate species. In addition, this alteration is predicted to be tolerated by in silico analysis. Since supporting evidence is limited at this time, the clinical significance of this alteration remains unclear.